The following is an entry in ClinVar:

ClinVar aggregate classification (germline): Uncertain significance. Review status: criteria provided, multiple submitters, no conflicts (2 of 4 stars). 2 submissions from 2 submitters: Uncertain significance (2). Last evaluated 2024-12-03.

Conditions:
Hereditary cancer-predisposing syndrome. Also called: Neoplastic Syndromes, Hereditary; Tumor predisposition; Hereditary neoplastic syndrome; Hereditary Cancer Syndrome. Identifiers: Orphanet 140162, MedGen C0027672, MeSH D009386, MONDO:0015356.

Allele frequency attached by ClinVar (database versions not stated): TOPMed below 0.00001.

Submissions (2):

Labcorp Genetics (formerly Invitae), Labcorp
Classification: Uncertain significance. Last evaluated: 2024-12-03. Review status: criteria provided, single submitter. Criteria: Invitae Variant Classification Sherloc (09022015). Collection method: clinical testing. Allele origin: germline.
Comment: This sequence change replaces serine, which is neutral and polar, with arginine, which is basic and polar, at codon 171 of the FH protein (p.Ser171Arg). This variant is not present in population databases (gnomAD no frequency). This variant has not been reported in the literature in individuals affected with FH-related conditions. ClinVar contains an entry for this variant (Variation ID: 1372774). Invitae Evidence Modeling of protein sequence and biophysical properties (such as structural, functional, and spatial information, amino acid conservation, physicochemical variation, residue mobility, and thermodynamic stability) indicates that this missense variant is expected to disrupt FH protein function with a positive predictive value of 95%. In summary, the available evidence is currently insufficient to determine the role of this variant in disease. Therefore, it has been classified as a Variant of Uncertain Significance.

Ambry Genetics
Classification: Uncertain significance for Hereditary cancer-predisposing syndrome. Last evaluated: 2024-05-17. Review status: criteria provided, single submitter. Criteria: Ambry Variant Classification Scheme 2023. Collection method: clinical testing. Allele origin: germline.
Comment: The p.S171R variant (also known as c.513C>G), located in coding exon 4 of the FH gene, results from a C to G substitution at nucleotide position 513. The serine at codon 171 is replaced by arginine, an amino acid with dissimilar properties. This amino acid position is highly conserved in available vertebrate species. In addition, this alteration is predicted to be deleterious by in silico analysis. Based on the available evidence, the clinical significance of this variant remains unclear.

NM_000143.4(FH):c.513C>G (p.Ser171Arg)

Gene: FH (fumarate hydratase; minus strand). Cytogenetic location: 1q43.
Variant type: single nucleotide variant.
Coding change: c.513C>G on transcript NM_000143.4 (MANE Select); coding-DNA position 513, C replaced by G.
Protein change: p.Ser171Arg; replaces serine 171 with arginine.
Molecular consequence: missense variant.
Genome position (GRCh38, 1-based): chr1:241,512,009, G>C on the plus strand (C>G on the coding strand, the complement: FH is on the minus strand). VCF-style: chr1-241512009-G-C. GRCh37 (hg19) VCF-style: chr1-241675309-G-C.
Other names: short protein forms S171R.
Identifiers: ClinVar variation 1372774 (VCV001372774.11), dbSNP rs1660097007, ClinGen allele CA345439934.
Genomic context (GRCh38, chr1:241,512,009, plus strand): 5'-CAAAGCTCACATACTGACCTGGCTTTTATTAACATGATCGTTGGGATGCACAGGTATCTT[G>C]CTGCCAAGTTCACCTCCTAACATTTCAATTGCTCTATTGCTAATGACTTCATTTACATTC-3'
Protein context (NP_000134.2, residues 161-181): AIEMLGGELG[Ser171Arg]KIPVHPNDHV